The following is an entry in ClinVar:

NM_003072.5(SMARCA4):c.4585G>A (p.Val1529Ile)

Gene: SMARCA4 (SWI/SNF related BAF chromatin remodeling complex subunit ATPase 4; plus strand). Cytogenetic location: 19p13.2.
Variant type: single nucleotide variant.
Coding change: c.4585G>A on transcript NM_003072.5 (MANE Select); coding-DNA position 4585, G replaced by A.
Protein change: p.Val1529Ile; replaces valine 1529 with isoleucine.
Molecular consequence: missense variant. On other transcripts: non-coding transcript variant (1).
Genome position (GRCh38, 1-based): chr19:11,058,839, G>A. VCF-style: chr19-11058839-G-A. GRCh37 (hg19) VCF-style: chr19-11169515-G-A.
Other names: c.4585G>A, p.Val1529Ile (NM_001128844.3); c.4495G>A, p.Val1499Ile (NM_001128845.2); c.4492G>A, p.Val1498Ile (NM_001128846.2); c.4486G>A, p.Val1496Ile (NM_001128847.4, NM_001374457.1); c.4483G>A, p.Val1495Ile (NM_001128848.2); c.4681G>A, p.Val1561Ile (NM_001128849.3, NM_001387283.1); short protein forms V1561I, V1498I, V1529I, V1496I, V1499I, V1495I.
Identifiers: ClinVar variation 372690 (VCV000372690.22), dbSNP rs777829717, ClinGen allele CA9204800.

ClinVar aggregate classification (germline): Uncertain significance. Review status: criteria provided, multiple submitters, no conflicts (2 of 4 stars). 7 submissions from 7 submitters: Uncertain significance (7). Last evaluated 2026-01-11.

Conditions:
Hereditary cancer-predisposing syndrome. Also called: Hereditary Cancer Syndrome; Hereditary neoplastic syndrome; Tumor predisposition; Neoplastic Syndromes, Hereditary. Identifiers: Orphanet 140162, MedGen C0027672, MeSH D009386, MONDO:0015356.
Intellectual disability, autosomal dominant 16 (CSS4). Also called: COFFIN-SIRIS SYNDROME 4. Identifiers: Orphanet 1465, MedGen C3553249, MONDO:0013821, OMIM 614609.
Rhabdoid tumor predisposition syndrome 2 (RTPS2). Identifiers: Orphanet 231108, Orphanet 69077, MedGen C2750074, MONDO:0013224, OMIM 613325.

Allele frequency attached by ClinVar (database versions not stated): gnomAD exomes 0.00001; ExAC 0.00002; TOPMed 0.00002; gnomAD 0.00003 and 0.00004.
gnomAD v4.1: 25 of 1,614,008 alleles (0.0015%); highest among the groups gnomAD compares: African/African-American, 0.0067%; no homozygotes.

Submissions (7):

Labcorp Genetics (formerly Invitae), Labcorp
Classification: Uncertain significance for Rhabdoid tumor predisposition syndrome 2. Last evaluated: 2026-01-11. Review status: criteria provided, single submitter. Criteria: Invitae Variant Classification Sherloc (09022015). Collection method: clinical testing. Allele origin: germline.
Comment: This sequence change replaces valine, which is neutral and non-polar, with isoleucine, which is neutral and non-polar, at codon 1561 of the SMARCA4 protein (p.Val1561Ile). This variant is present in population databases (rs777829717, gnomAD 0.008%). This variant has not been reported in the literature in individuals affected with SMARCA4-related conditions. ClinVar contains an entry for this variant (Variation ID: 372690). Invitae Evidence Modeling of protein sequence and biophysical properties (such as structural, functional, and spatial information, amino acid conservation, physicochemical variation, residue mobility, and thermodynamic stability) indicates that this missense variant is not expected to disrupt SMARCA4 protein function with a negative predictive value of 80%. In summary, the available evidence is currently insufficient to determine the role of this variant in disease. Therefore, it has been classified as a Variant of Uncertain Significance.

Quest Diagnostics Nichols Institute San Juan Capistrano
Classification: Uncertain significance. Last evaluated: 2025-11-05. Review status: criteria provided, single submitter. Criteria: Quest Diagnostics criteria. Collection method: clinical testing. Allele origin: unknown.
Comment: The SMARCA4 c.4681G>A (p.Val1561Ile) variant has not been reported in individuals with SMARCA4-related conditions in the published literature. The frequency of this variant in the general population (Genome Aggregation Database) is uninformative in the assessment of its pathogenicity. Analysis of this variant using bioinformatics tools for the prediction of the effect of amino acid changes on protein structure and function yielded conflicting predictions that this variant is benign or damaging. Based on the available information, we are unable to determine the clinical significance of this variant.

Dasa
Classification: Uncertain significance. Last evaluated: 2025-09-02. Review status: criteria provided, single submitter. Criteria: DASA Assertion Criteria. Collection method: clinical testing. Allele origin: germline.
Comment: NM_003072.5(SMARCA4):c.4585G>A (p.Val1529Ile) is a missense variant that results in the substitution of valine with isoleucine. This variant is rare in population databases. Computational prediction algorithms are consistent with a benign effect. The currently available literature and clinical evidence are not sufficient to establish a definitive association between this variant and the reported condition. Therefore, this variant is classified as a variant of uncertain significance.

Ambry Genetics
Classification: Uncertain significance for Hereditary cancer-predisposing syndrome. Last evaluated: 2025-08-09. Review status: criteria provided, single submitter. Criteria: Ambry Variant Classification Scheme 2023. Collection method: clinical testing. Allele origin: germline.

GeneDx
Classification: Uncertain significance. Last evaluated: 2024-05-30. Review status: criteria provided, single submitter. Criteria: GeneDx Variant Classification Process June 2021. Collection method: clinical testing. Allele origin: germline. Affected: yes.
Comment: In silico analysis indicates that this missense variant does not alter protein structure/function; Has not been previously published as pathogenic or benign to our knowledge; This variant is associated with the following publications: (PMID: 30029678, 24658002)

Blueprint Genetics
Classification: Uncertain significance. Last evaluated: 2023-02-03. Review status: criteria provided, single submitter. Criteria: ACMG Guidelines, 2015. Collection method: clinical testing. Allele origin: germline.

Genome-Nilou Lab
Classification: Uncertain significance for Intellectual disability, autosomal dominant 16. Last evaluated: 2021-07-15. Review status: criteria provided, single submitter. Criteria: ACMG Guidelines, 2015. Collection method: clinical testing. Allele origin: germline. Affected: no.